The following is an entry in ClinVar:

NM_005751.5(AKAP9):c.4336A>C (p.Lys1446Gln)

Gene: AKAP9 (A-kinase anchoring protein 9; plus strand). Cytogenetic location: 7q21.2.
Variant type: single nucleotide variant.
Coding change: c.4336A>C on transcript NM_005751.5 (MANE Select); coding-DNA position 4336, A replaced by C.
Protein change: p.Lys1446Gln; replaces lysine 1446 with glutamine.
Molecular consequence: missense variant.
Genome position (GRCh38, 1-based): chr7:92,031,602, A>C. VCF-style: chr7-92031602-A-C. GRCh37 (hg19) VCF-style: chr7-91660916-A-C.
Other names: c.4336A>C, p.Lys1446Gln (NM_147185.3); short protein forms K1446Q.
Identifiers: ClinVar variation 1739817 (VCV001739817.8), dbSNP rs140271624, ClinGen allele CA4336546.

ClinVar aggregate classification (germline): Uncertain significance. Review status: criteria provided, multiple submitters, no conflicts (2 of 4 stars). 3 submissions from 3 submitters: Uncertain significance (3). Last evaluated 2025-10-31.

Conditions:
Long QT syndrome (LQTS). Identifiers: MedGen C0023976, MeSH D008133, MONDO:0002442. Disease mechanism: loss of function. Inheritance: Various modes of inheritance.
Cardiovascular phenotype. Identifiers: MedGen CN230736.

Allele frequency attached by ClinVar (database versions not stated): ExAC 0.00002; gnomAD 0.00002; TOPMed 0.00003; ESP Exome Variant Server 0.00015.
gnomAD v4.1: 43 of 1,599,980 alleles (0.0027%); highest among the groups gnomAD compares: Non-Finnish European, 0.0035%; no homozygotes.

Submissions (3):

Ambry Genetics
Classification: Uncertain significance for Cardiovascular phenotype. Last evaluated: 2025-10-31. Review status: criteria provided, single submitter. Criteria: Ambry Variant Classification Scheme 2023. Collection method: clinical testing. Allele origin: germline.
Comment: The p.K1446Q variant (also known as c.4336A>C), located in coding exon 16 of the AKAP9 gene, results from an A to C substitution at nucleotide position 4336. The lysine at codon 1446 is replaced by glutamine, an amino acid with similar properties. This amino acid position is highly conserved in available vertebrate species. In addition, this alteration is predicted to be tolerated by in silico analysis. The evidence for this gene-disease relationship is limited; therefore, the clinical significance of this alteration is unclear.

Labcorp Genetics (formerly Invitae), Labcorp
Classification: Uncertain significance for Long QT syndrome. Last evaluated: 2023-11-11. Review status: criteria provided, single submitter. Criteria: Invitae Variant Classification Sherloc (09022015). Collection method: clinical testing. Allele origin: germline.
Comment: This sequence change replaces lysine, which is basic and polar, with glutamine, which is neutral and polar, at codon 1446 of the AKAP9 protein (p.Lys1446Gln). This variant is present in population databases (rs140271624, gnomAD 0.003%). This variant has not been reported in the literature in individuals affected with AKAP9-related conditions. ClinVar contains an entry for this variant (Variation ID: 1739817). An algorithm developed to predict the effect of missense changes on protein structure and function (PolyPhen-2) suggests that this variant is likely to be disruptive. In summary, the available evidence is currently insufficient to determine the role of this variant in disease. Therefore, it has been classified as a Variant of Uncertain Significance.

Department of Pathology and Laboratory Medicine, Sinai Health System
Classification: Uncertain significance for long QT syndrome. Last evaluated: 2022-09-16. Review status: criteria provided, single submitter. Criteria: ACMG Guidelines, 2015. Collection method: research. Allele origin: germline.